The following is an entry in ClinVar:

NM_000271.5(NPC1):c.1439C>T (p.Thr480Ile)

Gene: NPC1 (NPC intracellular cholesterol transporter 1; minus strand). Cytogenetic location: 18q11.2.
Variant type: single nucleotide variant.
Coding change: c.1439C>T on transcript NM_000271.5 (MANE Select); coding-DNA position 1439, C replaced by T.
Protein change: p.Thr480Ile; replaces threonine 480 with isoleucine.
Molecular consequence: missense variant.
Genome position (GRCh38, 1-based): chr18:23,554,872, G>A on the plus strand (C>T on the coding strand, the complement: NPC1 is on the minus strand). VCF-style: chr18-23554872-G-A. GRCh37 (hg19) VCF-style: chr18-21134836-G-A.
Other names: short protein forms T480I.
Identifiers: ClinVar variation 4981489 (VCV004981489.1).
Genomic context (GRCh38, chr18:23,554,872, plus strand): 5'-CCTTTCTTGTGGTCCAGCACGGAATGGCTGTTCTGGAAGTAATTTAACACACTCAAAATG[G>A]TGCAGTTCGTGTTATACGGTGAAAGAGGGGCCAAGCAGATGTCTTGAAGTGTCACAGTCT-3'
Protein context (NP_000262.2, residues 470-490): APLSPYNTNC[Thr480Ile]ILSVLNYFQN

ClinVar aggregate classification (germline): Uncertain significance (1 of 4 stars; one submission).

Conditions:
NPC1-related disorder. Also called: NPC1-related condition.

gnomAD v4.1: 6 of 1,614,032 alleles (0.00037%); highest among the groups gnomAD compares: South Asian, 0.0066%; no homozygotes.

Submission:

PreventionGenetics, part of Exact Sciences
Classification: Uncertain significance for NPC1-related condition. Last evaluated: 2026-09-07. Review status: criteria provided, single submitter. Criteria: ACMG Guidelines, 2015. Collection method: clinical testing. Allele origin: germline.
Comment: The NPC1 c.1439C>T variant is predicted to result in the amino acid substitution p.Thr480Ile. To our knowledge, this variant has not been reported in the literature. This variant is reported in 0.0033% of alleles in individuals of South Asian descent in gnomAD. At this time, the clinical significance of this variant is uncertain due to the absence of conclusive functional and genetic evidence.